The following is an entry in ClinVar:

ClinVar aggregate classification (germline): Uncertain significance (1 of 4 stars; one submission).

Allele frequency attached by ClinVar (database versions not stated): gnomAD exomes below 0.00001; TOPMed below 0.00001.
gnomAD v4.1: 5 of 1,613,990 alleles (0.00031%); highest among the groups gnomAD compares: Non-Finnish European, 0.00042%; no homozygotes.

Submission:

Labcorp Genetics (formerly Invitae), Labcorp
Classification: Uncertain significance. Last evaluated: 2023-05-03. Review status: criteria provided, single submitter. Criteria: Invitae Variant Classification Sherloc (09022015). Collection method: clinical testing. Allele origin: germline.
Comment: In summary, the available evidence is currently insufficient to determine the role of this variant in disease. Therefore, it has been classified as a Variant of Uncertain Significance. An algorithm developed to predict the effect of missense changes on protein structure and function (PolyPhen-2) suggests that this variant is likely to be tolerated. This variant has not been reported in the literature in individuals affected with VCAN-related conditions. This variant is not present in population databases (gnomAD no frequency). This sequence change replaces arginine, which is basic and polar, with glycine, which is neutral and non-polar, at codon 3360 of the VCAN protein (p.Arg3360Gly).

NM_004385.5(VCAN):c.10078A>G (p.Arg3360Gly)

Gene: VCAN (versican; plus strand). Cytogenetic location: 5q14.3.
Variant type: single nucleotide variant.
Coding change: c.10078A>G on transcript NM_004385.5 (MANE Select); coding-DNA position 10078, A replaced by G.
Protein change: p.Arg3360Gly; replaces arginine 3360 with glycine.
Molecular consequence: missense variant.
Genome position (GRCh38, 1-based): chr5:83,580,321, A>G. VCF-style: chr5-83580321-A-G. GRCh37 (hg19) VCF-style: chr5-82876140-A-G.
Other names: c.1855A>G, p.Arg619Gly (NM_001126336.3); c.7117A>G, p.Arg2373Gly (NM_001164097.2); c.4816A>G, p.Arg1606Gly (NM_001164098.2); short protein forms R619G, R2373G, R1606G, R3360G.
Identifiers: ClinVar variation 2778408 (VCV002778408.3), dbSNP rs1358650647, ClinGen allele CA360301700.
Genomic context (GRCh38, chr5:83,580,321, plus strand): 5'-AGTAATATTGTGTGTTTTCTTTTTTTCTTTCTTTCCTTCCATGTAGCATCTGCATACCAA[A>G]GGACTTATTCTATGAAATACTTTAAAAATTCCTCATCAGCAAAGGACAATTCAATAAATA-3'
Protein context (NP_004376.2, residues 3350-3370): ITCMNPSAYQ[Arg3360Gly]TYSMKYFKNS